The following is an entry in ClinVar:

NM_153717.3(EVC):c.569G>A (p.Arg190His)

Gene: EVC (EvC ciliary complex subunit 1; plus strand). Cytogenetic location: 4p16.2.
Variant type: single nucleotide variant.
Coding change: c.569G>A on transcript NM_153717.3 (MANE Select); coding-DNA position 569, G replaced by A.
Protein change: p.Arg190His; replaces arginine 190 with histidine.
Molecular consequence: missense variant.
Genome position (GRCh38, 1-based): chr4:5,731,609, G>A. VCF-style: chr4-5731609-G-A. GRCh37 (hg19) VCF-style: chr4-5733336-G-A.
Other names: c.569G>A, p.Arg190His (NM_001306090.2, NM_001306092.2); short protein forms R190H.
Identifiers: ClinVar variation 3768750 (VCV003768750.1).
Genomic context (GRCh38, chr4:5,731,609, plus strand): 5'-ACGACTGCAGCTCCTCATCCAGCGTCCACTCGGCCACCAGCGATGACAGGTTTCTCAGCC[G>A]CACCTTCCTCCGGGTGAACGCCTTCCCTGAAGTGCTGGCCTGCGAGAGGTAAGGAGAGCG-3'
Protein context (NP_714928.1, residues 180-200): SATSDDRFLS[Arg190His]TFLRVNAFPE

ClinVar aggregate classification (germline): Uncertain significance (1 of 4 stars; one submission).

gnomAD v4.1: 19 of 1,614,012 alleles (0.0012%); highest among the groups gnomAD compares: Admixed American, 0.013%; no homozygotes.

Submission:

Women's Health and Genetics/Laboratory Corporation of America, LabCorp
Classification: Uncertain significance. Last evaluated: 2025-02-05. Review status: criteria provided, single submitter. Criteria: LabCorp Variant Classification Summary - May 2015. Collection method: clinical testing. Allele origin: germline.
Comment: Variant summary: EVC c.569G>A (p.Arg190His) results in a non-conservative amino acid change in the encoded protein sequence. Three of five in-silico tools predict a damaging effect of the variant on protein function. The variant allele was found at a frequency of 3.6e-05 in 251022 control chromosomes. The available data on variant occurrences in the general population are insufficient to allow any conclusion about variant significance. To our knowledge, no occurrence of c.569G>A in individuals affected with Ellis-van Creveld syndrome and no experimental evidence demonstrating its impact on protein function have been reported. No submitters have cited clinical-significance assessments for this variant to ClinVar. Based on the evidence outlined above, the variant was classified as uncertain significance.